The following is an entry in ClinVar:

ClinVar aggregate classification (germline): Uncertain significance. Review status: criteria provided, multiple submitters, no conflicts (2 of 4 stars). 2 submissions from 2 submitters: Uncertain significance (2). Last evaluated 2024-10-16.

Conditions:
Autosomal recessive spastic paraplegia type 78. Identifiers: Orphanet 513436, MedGen C5567893, MONDO:0014975, OMIM 617225.
Kufor-Rakeb syndrome (KRS). Also called: PARKINSON DISEASE 9, AUTOSOMAL RECESSIVE, JUVENILE-ONSET. Identifiers: Orphanet 306674, Orphanet 314632, MedGen C1847640, MONDO:0011706, OMIM 606693.

Allele frequency attached by ClinVar (database versions not stated): ExAC 0.00001; gnomAD 0.00001; gnomAD exomes 0.00001; TOPMed 0.00001.
gnomAD v4.1: 21 of 1,613,974 alleles (0.0013%); highest among the groups gnomAD compares: East Asian, 0.0022%; no homozygotes.

Submissions (2):

GeneDx
Classification: Uncertain significance. Last evaluated: 2024-10-16. Review status: criteria provided, single submitter. Criteria: GeneDx Variant Classification Process June 2021. Collection method: clinical testing. Allele origin: germline. Affected: yes.
Comment: Not observed at significant frequency in large population cohorts (gnomAD); In silico analysis supports that this missense variant has a deleterious effect on protein structure/function; Has not been previously published as pathogenic or benign to our knowledge

Labcorp Genetics (formerly Invitae), Labcorp
Classification: Uncertain significance for Kufor-Rakeb syndrome; Autosomal recessive spastic paraplegia type 78. Last evaluated: 2021-08-17. Review status: criteria provided, single submitter. Criteria: Invitae Variant Classification Sherloc (09022015). Collection method: clinical testing. Allele origin: germline.
Comment: This sequence change replaces arginine with tryptophan at codon 489 of the ATP13A2 protein (p.Arg489Trp). The arginine residue is weakly conserved and there is a moderate physicochemical difference between arginine and tryptophan. This variant is present in population databases (rs753825215, ExAC 0.002%). This variant has not been reported in the literature in individuals with ATP13A2-related conditions. Algorithms developed to predict the effect of missense changes on protein structure and function are either unavailable or do not agree on the potential impact of this missense change (SIFT: "Deleterious"; PolyPhen-2: "Possibly Damaging"; Align-GVGD: "Class C0"). In summary, the available evidence is currently insufficient to determine the role of this variant in disease. Therefore, it has been classified as a Variant of Uncertain Significance.

NM_022089.4(ATP13A2):c.1465C>T (p.Arg489Trp)

Gene: ATP13A2 (ATPase cation transporting 13A2; minus strand). Cytogenetic location: 1p36.13.
Variant type: single nucleotide variant.
Coding change: c.1465C>T on transcript NM_022089.4 (MANE Select); coding-DNA position 1465, C replaced by T.
Protein change: p.Arg489Trp; replaces arginine 489 with tryptophan.
Molecular consequence: missense variant.
Genome position (GRCh38, 1-based): chr1:16,996,053, G>A on the plus strand (C>T on the coding strand, the complement: ATP13A2 is on the minus strand). VCF-style: chr1-16996053-G-A. GRCh37 (hg19) VCF-style: chr1-17322548-G-A.
Other names: c.1450C>T, p.Arg484Trp (NM_001141973.3, NM_001141974.3); c.1465C>T (NM_022089.2); short protein forms R484W, R489W.
Identifiers: ClinVar variation 962412 (VCV000962412.6), dbSNP rs753825215, ClinGen allele CA637200.